The following is an entry in ClinVar:

ClinVar aggregate classification (germline): Uncertain significance (1 of 4 stars; one submission).

Conditions:
Joubert syndrome. Also called: CEREBELLOPARENCHYMAL DISORDER IV; JOUBERT-BOLTSHAUSER SYNDROME; Familial aplasia of the vermis. Identifiers: Orphanet 475, MedGen C5979921, MONDO:0018772.

Submission:

Labcorp Genetics (formerly Invitae), Labcorp
Classification: Uncertain significance for Joubert syndrome. Last evaluated: 2022-11-08. Review status: criteria provided, single submitter. Criteria: Invitae Variant Classification Sherloc (09022015). Collection method: clinical testing. Allele origin: germline.
Comment: Algorithms developed to predict the effect of missense changes on protein structure and function are either unavailable or do not agree on the potential impact of this missense change (SIFT: "Deleterious"; PolyPhen-2: "Possibly Damaging"; Align-GVGD: "Class C0"). In summary, the available evidence is currently insufficient to determine the role of this variant in disease. Therefore, it has been classified as a Variant of Uncertain Significance. This variant has not been reported in the literature in individuals affected with TMEM216-related conditions. This variant is not present in population databases (gnomAD no frequency). This sequence change replaces phenylalanine, which is neutral and non-polar, with isoleucine, which is neutral and non-polar, at codon 76 of the TMEM216 protein (p.Phe76Ile).

NM_001173990.3(TMEM216):c.226T>A (p.Phe76Ile)

Gene: TMEM216 (transmembrane protein 216; plus strand). Cytogenetic location: 11q12.2.
Variant type: single nucleotide variant.
Coding change: c.226T>A on transcript NM_001173990.3 (MANE Select); coding-DNA position 226, T replaced by A.
Protein change: p.Phe76Ile; replaces phenylalanine 76 with isoleucine.
Molecular consequence: missense variant.
Genome position (GRCh38, 1-based): chr11:61,393,973, T>A. VCF-style: chr11-61393973-T-A. GRCh37 (hg19) VCF-style: chr11-61161445-T-A.
Other names: c.226T>A, p.Phe76Ile (NM_001173991.3); c.43T>A, p.Phe15Ile (NM_001330285.2, NM_016499.6); short protein forms F76I, F15I.
Identifiers: ClinVar variation 2047538 (VCV002047538.4), dbSNP rs2539892850, ClinGen allele CA380685194.